The following is an entry in ClinVar:

NM_001044.5(SLC6A3):c.1648G>A (p.Ala550Thr)

Gene: SLC6A3 (solute carrier family 6 member 3). Cytogenetic location: 5p15.33.
Variant type: single nucleotide variant.
Coding change: c.1648G>A on transcript NM_001044.5 (MANE Select); coding-DNA position 1648, G replaced by A.
Protein change: p.Ala550Thr; replaces alanine 550 with threonine.
Molecular consequence: missense variant.
Genome position (GRCh38, 1-based): chr5:1,403,041, C>T on the plus strand (G>A on the coding strand, the complement: SLC6A3 is on the minus strand). VCF-style: chr5-1403041-C-T. GRCh37 (hg19) VCF-style: chr5-1403156-C-T.
Other names: short protein forms A550T.
Identifiers: ClinVar variation 963361 (VCV000963361.10), dbSNP rs1423226570, ClinGen allele CA359074297.

ClinVar aggregate classification (germline): Uncertain significance (1 of 4 stars; one submission).

Conditions:
Parkinsonism-dystonia, infantile. Identifiers: Orphanet 238455, MedGen C2751067, MONDO:0013150.

Allele frequency attached by ClinVar (database versions not stated): TOPMed below 0.00001.

Submission:

Labcorp Genetics (formerly Invitae), Labcorp
Classification: Uncertain significance for Parkinsonism-dystonia, infantile. Last evaluated: 2019-09-22. Review status: criteria provided, single submitter. Criteria: Invitae Variant Classification Sherloc (09022015). Collection method: clinical testing. Allele origin: germline.
Comment: In summary, the available evidence is currently insufficient to determine the role of this variant in disease. Therefore, it has been classified as a Variant of Uncertain Significance. Algorithms developed to predict the effect of missense changes on protein structure and function output the following: SIFT: "Tolerated"; PolyPhen-2: "Benign"; Align-GVGD: "Class C0". The threonine amino acid residue is found in multiple mammalian species, suggesting that this missense change does not adversely affect protein function. These predictions have not been confirmed by published functional studies and their clinical significance is uncertain. This variant has not been reported in the literature in individuals with SLC6A3-related conditions. This variant is not present in population databases (ExAC no frequency). This sequence change replaces alanine with threonine at codon 550 of the SLC6A3 protein (p.Ala550Thr). The alanine residue is moderately conserved and there is a small physicochemical difference between alanine and threonine.